The following is an entry in ClinVar:

NM_080424.4(SP110):c.1891C>T (p.Arg631Ter)

Gene: SP110 (SP110 nuclear body protein; minus strand). Cytogenetic location: 2q37.1.
Variant type: single nucleotide variant.
Coding change: c.1891C>T on transcript NM_080424.4 (MANE Select); coding-DNA position 1891, C replaced by T.
Protein change: p.Arg631Ter; replaces arginine 631 with a stop codon.
Molecular consequence: nonsense. On other transcripts: intron variant (1).
Genome position (GRCh38, 1-based): chr2:230,170,758, G>A on the plus strand (C>T on the coding strand, the complement: SP110 is on the minus strand). VCF-style: chr2-230170758-G-A. GRCh37 (hg19) VCF-style: chr2-231035474-G-A.
Other names: c.1819C>T (NM_004509.4); c.1987C>T, p.Arg663Ter (NM_001378442.1); c.1969C>T, p.Arg657Ter (NM_001378443.1); c.1909C>T, p.Arg637Ter (NM_001378444.1); c.1837C>T, p.Arg613Ter (NM_001378445.1); c.1819C>T, p.Arg607Ter (NM_004509.5); c.1833+1308C>T (NM_001378446.1); short protein forms R607*, R631*, R663*, R613*, R637*, R657*.
Identifiers: ClinVar variation 1028771 (VCV001028771.8), dbSNP rs1011767398, ClinGen allele CA66729555.

ClinVar aggregate classification (germline): Pathogenic/Likely pathogenic. Review status: criteria provided, multiple submitters, no conflicts (2 of 4 stars). 4 submissions from 4 submitters: Pathogenic (2); Likely pathogenic (2). Last evaluated 2025-12-19.

Conditions:
Mycobacterium tuberculosis, susceptibility to. Identifiers: MedGen C1834752, OMIM 607948.
Hepatic veno-occlusive disease-immunodeficiency syndrome. Also called: Hepatic Veno-Occlusive Disease with Immunodeficiency. Identifiers: Orphanet 79124, MedGen C1856128, MONDO:0009338, OMIM 235550. Disease mechanism: loss of function.

Allele frequency attached by ClinVar (database versions not stated): gnomAD 0.00001; TOPMed 0.00002.
gnomAD v4.1: 8 of 1,613,822 alleles (0.0005%); highest among the groups gnomAD compares: Non-Finnish European, 0.00068%; no homozygotes.

Submissions (4):

Labcorp Genetics (formerly Invitae), Labcorp
Classification: Pathogenic for Hepatic veno-occlusive disease-immunodeficiency syndrome. Last evaluated: 2025-12-19. Review status: criteria provided, single submitter. Criteria: Invitae Variant Classification Sherloc (09022015). Collection method: clinical testing. Allele origin: germline.
Comment: This sequence change creates a premature translational stop signal (p.Arg607*) in the SP110 gene. It is expected to result in an absent or disrupted protein product. Loss-of-function variants in SP110 are known to be pathogenic (PMID: 16648851, 22621957). This variant is not present in population databases (gnomAD no frequency). This variant has not been reported in the literature in individuals affected with SP110-related conditions. ClinVar contains an entry for this variant (Variation ID: 1028771). For these reasons, this variant has been classified as Pathogenic.

Genomic Medicine Center of Excellence, King Faisal Specialist Hospital and Research Centre
Classification: Pathogenic for Hepatic veno-occlusive disease-immunodeficiency syndrome. Last evaluated: 2024-03-25. Review status: criteria provided, single submitter. Criteria: ACMG Guidelines, 2015. Collection method: research. Allele origin: germline.

Fulgent Genetics
Classification: Likely pathogenic for Hepatic veno-occlusive disease-immunodeficiency syndrome; Mycobacterium tuberculosis, susceptibility to. Last evaluated: 2024-03-18. Review status: criteria provided, single submitter. Criteria: ACMG Guidelines, 2015. Collection method: clinical testing. Allele origin: germline.

Baylor Genetics
Classification: Likely pathogenic for Hepatic veno-occlusive disease-immunodeficiency syndrome. Last evaluated: 2020-06-08. Review status: criteria provided, single submitter. Criteria: ACMG Guidelines, 2015. Collection method: clinical testing. Allele origin: unknown. Affected: yes.
Comment: This variant was determined to be likely pathogenic according to ACMG Guidelines, 2015 [PMID:25741868].

Literature cited by the submitters: PubMed 16648851 (cited by Labcorp Genetics (formerly Invitae), Labcorp); PubMed 22621957 (cited by Labcorp Genetics (formerly Invitae), Labcorp).